The following is an entry in ClinVar:

NM_001165963.4(SCN1A):c.264+4_264+7del

Gene: SCN1A (sodium voltage-gated channel alpha subunit 1; minus strand). Cytogenetic location: 2q24.3.
Variant type: Microsatellite.
Coding change: c.264+4_264+7del on transcript NM_001165963.4 (MANE Select); bases 4 to 7 of the intron after coding-DNA position 264, 4 bases deleted (AGTG; older notation c.264+4_264+7delAGTG).
Molecular consequence: splice donor variant.
Genome position (GRCh38, 1-based): chr2:166,073,351-166,073,354, CACT deleted on the plus strand (AGTG on the coding strand, the reverse complement: SCN1A is on the minus strand); deleting any 4 consecutive bases within chr2:166,073,351-166,073,358 gives the same sequence; the c. name uses the placement nearest the transcript's 3' end. VCF-style (leftmost placement, unchanged base first): chr2-166073350-ACACT-A. GRCh37 (hg19) VCF-style: chr2-166929860-ACACT-A.
Other names: c.264+4_264+7delAGTG (NM_001165963.4, NM_001165963.1); c.264+4_264+7del (NM_001165963.1, NM_001353949.2, NM_001353958.2 and 11 more transcripts); c.-2162+4_-2162+7del (NM_001353961.2).
Identifiers: ClinVar variation 654352 (VCV000654352.10), dbSNP rs1574370981, ClinGen allele CA915942936.
Genomic context (GRCh38, chr2:166,073,350, plus strand): 5'-GTGCTACAACAGTCCAAGGAATGCAGTAGGCAATTAGCAGCAAAATATGCCTGATAAAAA[ACACT>A]CACTTTCTTATTGATATAGTAGGGGTCCAGGTCCTCCAGGGGCTCTGACACCATCTCTGG-3'

ClinVar aggregate classification (germline): Pathogenic/Likely pathogenic. Review status: criteria provided, multiple submitters, no conflicts (2 of 4 stars). 3 submissions from 3 submitters: Pathogenic (1); Likely pathogenic (2). Last evaluated 2022-09-01.

Conditions:
Early-infantile DEE. Also called: Ohtahara syndrome; Early infantile epileptic encephalopathy; Early infantile epileptic encephalopathy with suppression bursts. Identifiers: Orphanet 1934, MedGen C0393706, MONDO:0800491.
Severe myoclonic epilepsy in infancy (DRVT). Also called: SEVERE MYOCLONIC EPILEPSY OF INFANCY; Epileptic encephalopathy, early infantile, 6 (Dravet syndrome); Dravet syndrome; DEVELOPMENTAL AND EPILEPTIC ENCEPHALOPATHY 6A; Severe Myoclonic Epilepsy in Infancy (SMEI). Identifiers: Orphanet 33069, MedGen C0751122, MONDO:0100135, OMIM 607208.

Submissions (3):

Labcorp Genetics (formerly Invitae), Labcorp
Classification: Pathogenic for Early-infantile DEE. Last evaluated: 2022-09-01. Review status: criteria provided, single submitter. Criteria: Invitae Variant Classification Sherloc (09022015). Collection method: clinical testing. Allele origin: germline.
Comment: This variant is not present in population databases (gnomAD no frequency). For these reasons, this variant has been classified as Pathogenic. Variants that disrupt the consensus splice site are a relatively common cause of aberrant splicing (PMID: 17576681, 9536098). Algorithms developed to predict the effect of sequence changes on RNA splicing suggest that this variant may disrupt the consensus splice site. ClinVar contains an entry for this variant (Variation ID: 654352). This variant is also known as c.264+3del4. This variant has been observed in individual(s) with Dravet syndrome and/or Lennox-Gastaut syndrome (PMID: 21248271; Invitae). This sequence change falls in intron 1 of the SCN1A gene. It does not directly change the encoded amino acid sequence of the SCN1A protein. It affects a nucleotide within the consensus splice site.

Mayo Clinic Laboratories, Mayo Clinic
Classification: Likely pathogenic. Last evaluated: 2022-06-01. Review status: criteria provided, single submitter. Criteria: ACMG Guidelines, 2015. Collection method: clinical testing. Allele origin: germline. Observed: 1 variant allele.
Comment: PP3, PM1, PM2, PVS1_moderate

Lifecell International Pvt. Ltd
Classification: Likely pathogenic for Severe myoclonic epilepsy in infancy. Review status: criteria provided, single submitter. Criteria: ACMG Guidelines, 2015. Collection method: clinical testing. Allele origin: germline. Inheritance: Autosomal dominant inheritance. Affected: yes. Observed: 1 variant allele, 1 heterozygote.
Comment: A heterozygous 5â€™ splice site variation in intron 4 of the SCN1A gene (c.264+4_264+7delAGTG) that is positioned from 4 baes downstream of exon 4 was detected. The observed variant has not reported in both gnomAD database and 1000 Genomes database. The reference base is conserved across species, present in Voltage- gated potassium channel domain and in-silico predictions by Mutation taster, GeneSplicer, MaxEntScan, NNSplice and PWM are damaging. It has been previously classified as Likely Pathogenic in ClinVar (Variation ID 654352 as of 2020-04-02) with respect to Early infantile epileptic encephalopathy with a status of (1 stars) criteria provided, single submitter. This variant (represented as c.264+3delAGTG, in the article) has been previously reported by Zuberi SM et al., 2011 for SCN1A-related epilepsies. Intronic variants, such as c.264+5G>C and 2 others affecting the same splice site region has been reported as pathogenic in ClinVar, thus making this region a hotspot for mutations. Based on the above evidence this variant has been classified as Likely pathogenic according to the ACMG guidelines.

Literature cited by the submitters: PubMed 17576681 (cited by Labcorp Genetics (formerly Invitae), Labcorp); PubMed 9536098 (cited by Labcorp Genetics (formerly Invitae), Labcorp); PubMed 21248271 (cited by Labcorp Genetics (formerly Invitae), Labcorp and Mayo Clinic Laboratories, Mayo Clinic); PubMed 29408779 (cited by Mayo Clinic Laboratories, Mayo Clinic); PubMed 32090326 (cited by Mayo Clinic Laboratories, Mayo Clinic).